The following is an entry in ClinVar:

ClinVar aggregate classification (germline): Uncertain significance. Review status: criteria provided, multiple submitters, no conflicts (2 of 4 stars). 5 submissions from 5 submitters: Uncertain significance (4). 1 of the submissions does not count toward it. Last evaluated 2019-08-27.

Conditions:
Cardiovascular phenotype. Identifiers: MedGen CN230736.
Dilated cardiomyopathy 1G (CMD1G). Identifiers: Orphanet 154, MedGen C1858763, MONDO:0011400, OMIM 604145.
Autosomal recessive limb-girdle muscular dystrophy type 2J (LGMDR10). Also called: Limb-girdle muscular dystrophy, type 2J; MUSCULAR DYSTROPHY, LIMB-GIRDLE, AUTOSOMAL RECESSIVE 10. Identifiers: Orphanet 140922, MedGen C1837342, MONDO:0012127, OMIM 608807.

Allele frequency attached by ClinVar (database versions not stated): gnomAD 0.00002; gnomAD exomes 0.00002 and 0.00003; ExAC 0.00003; TOPMed 0.00005.
gnomAD v4.1: 36 of 1,613,472 alleles (0.0022%); highest among the groups gnomAD compares: African/African-American, 0.004%; no homozygotes.

Submissions (5):

Ambry Genetics
Classification: Uncertain significance for Cardiovascular phenotype. Last evaluated: 2019-08-27. Review status: criteria provided, single submitter. Criteria: Ambry Variant Classification Scheme 2023. Collection method: clinical testing. Allele origin: germline.
Comment: The p.V17340I variant (also known as c.52018G>A), located in coding exon 153 of the TTN gene, results from a G to A substitution at nucleotide position 52018. The valine at codon 17340 is replaced by isoleucine, an amino acid with highly similar properties. This alteration (referred to as p.V23837I, c.71508G>A) has been reported as a secondary cardiac variant in an exome cohort (Ng D et al. Circ Cardiovasc Genet, 2013 Aug;6:337-46). This amino acid position is well conserved in available vertebrate species; however, isoleucine is the reference amino acid in other vertebrate species. In addition, this alteration is predicted to be tolerated by in silico analysis. Since supporting evidence is limited at this time, the clinical significance of this alteration remains unclear.

Mayo Clinic Laboratories, Mayo Clinic
Classification: Uncertain significance. Last evaluated: 2019-07-22. Review status: criteria provided, single submitter. Criteria: ACMG Guidelines, 2015. Collection method: clinical testing. Allele origin: germline. Observed: 1 variant allele.

Labcorp Genetics (formerly Invitae), Labcorp
Classification: Uncertain significance for Dilated cardiomyopathy 1G; Autosomal recessive limb-girdle muscular dystrophy type 2J. Last evaluated: 2017-11-12. Review status: criteria provided, single submitter. Criteria: Invitae Variant Classification Sherloc (09022015). Collection method: clinical testing. Allele origin: germline.

Biesecker Lab/Clinical Genomics Section, National Institutes of Health
Classification: Uncertain significance. Last evaluated: 2013-06-24. Review status: criteria provided, single submitter. Criteria: Ng et al. (Circ Cardiovasc Genet. 2013). Collection method: research. Allele origin: unknown. Observed: 1 variant allele. Study: ClinSeq.
Comment: The study set was not selected for affection status in relation to any cancer. Pathogenicity categories were based on literature curation. See Pubmed ID:23861362 for details.

Medical sequencing

GeneDx
No classification provided. Last evaluated: 2014-10-29. Review status: no classification provided. Criteria: GeneDx Variant Classification (06012015). Collection method: clinical testing. Allele origin: germline. Affected: yes. Not counted in ClinVar's aggregate classification.
Comment: Missense variants in the TTN gene are considered 'unclassified' if they are not previously reported in the literature and do not have >1% frequency in the population to be considered a polymorphism. Research indicates that truncating mutations in the TTN gene are expected to account for approximately 25% of familial and 18% of sporadic idiopathic DCM; however, truncating variants in the TTN gene have been reported in approximately 3% of reported control alleles. There has been little investigation into non-truncating variants. (Herman D et al. Truncations of titin causing dilated cardiomyopathy. N Eng J Med 366:619-628, 2012) The variant is found in CARDIOMYOPATHY panel(s).

Literature cited by the submitters: PubMed 23861362 (cited by Ambry Genetics).

NM_001267550.2(TTN):c.79213G>A (p.Val26405Ile)

Genes: TTN-AS1 (TTN antisense RNA 1; plus strand), TTN (titin; minus strand). Cytogenetic location: 2q31.2.
Variant type: single nucleotide variant.
Coding change: c.79213G>A on transcript NM_001267550.2 (MANE Select); coding-DNA position 79213, G replaced by A.
Protein change: p.Val26405Ile; replaces valine 26405 with isoleucine.
Molecular consequence: missense variant.
Genome position (GRCh38, 1-based): chr2:178,566,919, C>T on the plus strand (G>A on the coding strand, the complement: TTN is on the minus strand). VCF-style: chr2-178566919-C-T. GRCh37 (hg19) VCF-style: chr2-179431646-C-T.
Other names: p.V24764I:GTC>ATC; c.74290G>A, p.Val24764Ile (NM_001256850.1); c.52018G>A, p.Val17340Ile (NM_003319.4); c.71509G>A, p.Val23837Ile (NM_133378.4); c.52393G>A, p.Val17465Ile (NM_133432.3); c.52594G>A, p.Val17532Ile (NM_133437.4); short protein forms V23837I, V26405I, V24764I, V17340I, V17465I, V17532I.
Identifiers: ClinVar variation 191889 (VCV000191889.10), dbSNP rs769972835, ClinGen allele CA302445.